The following is an entry in ClinVar:

NM_018139.3(DNAAF2):c.1567C>T (p.Pro523Ser)

Gene: DNAAF2 (dynein axonemal assembly factor 2; minus strand). Cytogenetic location: 14q21.3.
Variant type: single nucleotide variant.
Coding change: c.1567C>T on transcript NM_018139.3 (MANE Select); coding-DNA position 1567, C replaced by T.
Protein change: p.Pro523Ser; replaces proline 523 with serine.
Molecular consequence: missense variant. On other transcripts: 5 prime UTR variant (1).
Genome position (GRCh38, 1-based): chr14:49,633,583, G>A on the plus strand (C>T on the coding strand, the complement: DNAAF2 is on the minus strand). VCF-style: chr14-49633583-G-A. GRCh37 (hg19) VCF-style: chr14-50100301-G-A.
Other names: c.1567C>T, p.Pro523Ser (NM_001083908.2); c.-305C>T (NM_001378453.1); short protein forms P523S.
Identifiers: ClinVar variation 1775398 (VCV001775398.2), dbSNP rs1169233962, ClinGen allele CA389626758.
Genomic context (GRCh38, chr14:49,633,583, plus strand): 5'-TCCGAGGCACCTGAATGAGCAGAGTCAAGGTTTCTTTGTCCTGATTACACAGTAACGGAG[G>A]ACACAAAGGCTCCCCGCTCTTGGTCCCGGGACCACCCATGGCGCAGGCTGAGCGCTGGCC-3'
Protein context (NP_060609.2, residues 513-533): PGTKSGEPLC[Pro523Ser]PLLCNQDKET

ClinVar aggregate classification (germline): Uncertain significance (1 of 4 stars; one submission).

Conditions:
Primary ciliary dyskinesia. Also called: Ciliary dyskinesia. Identifiers: Orphanet 244, MedGen C0008780, MONDO:0016575, HP:0012265.

Allele frequency attached by ClinVar (database versions not stated): gnomAD exomes below 0.00001; gnomAD 0.00001.
gnomAD v4.1: 4 of 1,613,828 alleles (0.00025%); highest among the groups gnomAD compares: Non-Finnish European, 0.00017%; no homozygotes.

Submission:

Ambry Genetics
Classification: Uncertain significance for Primary ciliary dyskinesia. Last evaluated: 2015-03-13. Review status: criteria provided, single submitter. Criteria: Ambry Variant Classification Scheme 2023. Collection method: clinical testing. Allele origin: germline.
Comment: The p.P523S variant (also known as c.1567C>T), located in coding exon 1 of the DNAAF2 gene, results from a C to T substitution at nucleotide position 1567. The proline at codon 523 is replaced by serine, an amino acid with a few similar properties. This variant was not reported in population based cohorts in the following databases: Database of Single Nucleotide Polymorphisms (dbSNP), NHLBI Exome Sequencing Project (ESP), and 1000 Genomes Project. In the ESP, this variant was not observed in 6503 samples (13006 alleles) with coverage at this position. This amino acid position is conserved in all available species, except chicken. In addition, the in silico prediction for this alteration is inconclusive. Since supporting evidence is limited at this time, the clinical significance of this variant remains unclear.